The following is an entry in ClinVar:

NM_001080453.3(INTS1):c.6369C>T (p.Pro2123=)

Gene: INTS1 (integrator complex subunit 1; minus strand). Cytogenetic location: 7p22.3.
Variant type: single nucleotide variant.
Coding change: c.6369C>T on transcript NM_001080453.3 (MANE Select); coding-DNA position 6369, C replaced by T.
Protein change: p.Pro2123=; no amino-acid change (proline 2123 retained).
Molecular consequence: synonymous variant.
Genome position (GRCh38, 1-based): chr7:1,470,934, G>A on the plus strand (C>T on the coding strand, the complement: INTS1 is on the minus strand). VCF-style: chr7-1470934-G-A. GRCh37 (hg19) VCF-style: chr7-1510570-G-A.
Identifiers: ClinVar variation 3352535 (VCV003352535.1).

ClinVar aggregate classification (germline): Likely benign (0 of 4 stars; one submission).

Conditions:
INTS1-related disorder. Also called: INTS1-related condition.

gnomAD v4.1: 10 of 1,574,428 alleles (0.00064%); highest among the groups gnomAD compares: East Asian, 0.0047%; no homozygotes.

Submission:

PreventionGenetics, part of Exact Sciences
Classification: Likely benign for INTS1-related condition. Last evaluated: 2019-06-18. Review status: no assertion criteria provided. Collection method: clinical testing. Allele origin: germline.
Comment: This variant is classified as likely benign based on ACMG/AMP sequence variant interpretation guidelines (Richards et al. 2015 PMID: 25741868, with internal and published modifications).